The following continues an entry in ClinVar:

NM_001048174.2(MUTYH):c.452A>G (p.Tyr151Cys)

Gene: MUTYH. ClinVar aggregate classification (germline): Pathogenic/Likely pathogenic. Pathogenic (52); Likely pathogenic (2).

Submissions 10 to 19 of 74:

ARUP Laboratories, Molecular Genetics and Genomics, ARUP Laboratories
Classification: Pathogenic. Last evaluated: 2025-06-27. Review status: criteria provided, single submitter. Criteria: ARUP Molecular Germline Variant Investigation Process 2024. Collection method: clinical testing. Allele origin: germline.
Comment: The MUTYH c.536A>G; p.Tyr179Cys variant (rs34612342), also known as p.Tyr165Cys NM_001048171.1, has been well described in the literature as one of the two common MUTYH pathogenic variants. It has been observed in homozygous or compound heterozygous form with other pathogenic MUTYH variants in patients with colorectal cancer, familial adenomatous polyposis (FAP) or attenuated FAP (Aretz 2014). This variant is also report in ClinVar (Variation ID: 5293) and is found in the general population with an overall allele frequency of 0.1538% (435/282,806 alleles) in the Genome Aggregation Database. Functional studies have shown that the p.Tyr179Cys variant results in severely decreased DNA binding and adenine DNA glycosylase activity (Al-Tassan 2002, Ali 2008, Goto 2010, Molatore 2010). Computational analyses predict that this variant is deleterious (REVEL: 0.963). Based on available information, this variant is considered to be pathogenic. References: Ali M et al. Characterization of mutant MUTYH proteins associated with familial colorectal cancer. Gastroenterology. 2008; 135(2):499-507. PMID:18534194. Al-Tassan N et al. Inherited variants of MYH associated with somatic G:C-->T:A mutations in colorectal tumors. Nat Genet. 2002; 30(2):227-32. PMID:11818965. Aretz S et al. MUTYH-associated polyposis (MAP): evidence for the origin of the common European mutations p.Tyr179Cys and p.Gly396Asp by founder events. Eur J Hum Genet. 2014; 22(7):923-9. PMID:23361220. Goto M et al. Adenine DNA glycosylase activity of 14 human MutY homolog (MUTYH) variant proteins found in patients with colorectal polyposis and cancer. Hum Mutat. 2010; 31(11):E1861-74. PMID:20848659. Molatore S et al. MUTYH mutations associated with familial adenomatous polyposis: functional characterization by a mammalian cell-based assay. Hum Mutat. 2010; 31(2):159-66. PMID:19953527.

Revvity Omics, Revvity
Classification: Pathogenic for Familial adenomatous polyposis 2. Last evaluated: 2025-06-05. Review status: criteria provided, single submitter. Criteria: ACMG Guidelines, 2015. Collection method: clinical testing. Allele origin: germline.

Ambry Genetics
Classification: Pathogenic for Hereditary cancer-predisposing syndrome. Last evaluated: 2025-04-21. Review status: criteria provided, single submitter. Criteria: Ambry Variant Classification Scheme 2023. Collection method: clinical testing. Allele origin: germline.
Comment: The p.Y179C pathogenic mutation (also known as c.536A>G and p.Y165C) is located in coding exon 7 of the MUTYH gene. This alteration represents a founder mutation in multiple populations and accounts for a significant proportion of pathogenic MUTYH mutations reported to date (Nielsen M et al. Gastroenterology. 2009 Feb;136:471-6; Aretz S et al. Eur. J. Hum. Genet. 2014 Jul;22(7):923-9). One study aimed at determining whether MUTYH heterozygosity is associated with increased cancer risk, identified no significant difference in the prevalence of monoallelic MUTYH pathogenic variant (including the p.Y179C founder mutation) carriers from large cohorts of colorectal, endometrial, and breast cancer cases when compared to controls (Thompson AB et al. Fam Cancer, 2022 Oct;21:415-422). This amino acid position is highly conserved in available vertebrate species. In addition, this alteration is predicted to be deleterious by in silico analysis. Based on the available evidence, this alteration is classified as a pathogenic mutation.

Variantyx, Inc.
Classification: Pathogenic for Familial adenomatous polyposis 2. Last evaluated: 2025-03-24. Review status: criteria provided, single submitter. Criteria: Variantyx Assertion Criteria 2022. Collection method: clinical testing. Allele origin: maternal. Inheritance: Autosomal recessive inheritance.
Comment: This is a nonsynonymous variant in the MUTYH gene (OMIM: 604933). Pathogenic variants in this gene have been associated with autosomal recessive colorectal adenomatous polyposis. This is an established founder variant in the European population (PMID: 11818965, 16140997, 19732775) (PS4). Functional studies have shown that this variant alters MUTYH protein function (PMID: 11818965, 15987719, 19836313, 19953527, 24569162) (PS3). Multiple computational algorithms predict a deleterious effect for this variant (REVEL score: 0.963) (PP3). This variant has a 0.2332% maximum allele frequency in non-founder control populations (PM2). Based on the current evidence, this variant is classified as pathogenic for autosomal recessive colorectal adenomatous polyposis.

Quest Diagnostics Nichols Institute San Juan Capistrano
Classification: Pathogenic. Last evaluated: 2025-03-13. Review status: criteria provided, single submitter. Criteria: Quest Diagnostics criteria. Collection method: clinical testing. Allele origin: unknown.
Comment: The MUTYH c.536A>G (p.Tyr179Cys) variant has been reported in the published literature in multiple individuals affected with MUTYH-associated polyposis (MAP), and is reported to be one of two pathogenic variants associated with MAP in individuals of European ancestry (PMIDs: 12606733 (2003), 17489848 (2007), 19793053 (2009), 23361220 (2014)). In addition, this variant has been reported as having a deleterious effect on MUTYH protein function (PMIDs: 24569162 (2014), 20418187 (2010), 19836313 (2009), 19032956 (2009)). Analysis of this variant using bioinformatics tools for the prediction of the effect of amino acid changes on protein structure and function yielded predictions that this variant is damaging. Based on the available information, this variant is classified as pathogenic.

Color Diagnostics, LLC DBA Color Health
Classification: Pathogenic for Hereditary cancer-predisposing syndrome. Last evaluated: 2025-02-24. Review status: criteria provided, single submitter. Criteria: ACMG Guidelines, 2015. Collection method: clinical testing. Allele origin: germline.
Comment: This missense variant replaces tyrosine with cysteine at codon 179 of the MUTYH protein. This variant is also known as p.Tyr165Cys (c.494A>G) based on an alternate transcript, NM_001048171. Computational prediction tool suggests that this variant may have deleterious impact on protein structure and function. Functional studies have shown that the mutant protein is defective in DNA binding and repair, and glycosylase activity (PMID: 18534194, 19953527). This variant is a well-established pathogenic variant known to cause adenomatous polyposis and colorectal cancer in homozygous and compound heterozygous individuals (PMID: 11818965, 12606733, 16338133, 16492921, 16557584, 17489848, 18534194, 19032956, 19394335, 19793053, 20418187, 21063410, 21171015, 22266422, 23361220, 24444654, 27829682). This variant is one of two most common pathogenic MUTYH variants, which together account for up to 80% of MUTYH-associated disease observed in Caucasian individuals (PMID: 29147111). This variant has been identified in 435/282806 chromosomes in the general population by the Genome Aggregation Database (gnomAD). Based on the available evidence, this variant is classified as Pathogenic.

Blueprint Genetics
Classification: Pathogenic for MUTYH-related disorders. Last evaluated: 2024-10-29. Review status: criteria provided, single submitter. Criteria: ACMG Guidelines, 2015. Collection method: clinical testing. Allele origin: germline. Affected: yes. Observed: 5 variant alleles.

All of Us Research Program, National Institutes of Health
Classification: Pathogenic for Familial adenomatous polyposis 2. Last evaluated: 2024-09-27. Review status: criteria provided, single submitter. Criteria: ACMG Guidelines, 2015. Collection method: clinical testing. Allele origin: germline. Inheritance: Autosomal recessive inheritance. Observed: 490 variant alleles, 488 heterozygotes, 2 homozygotes.
Comment: The c.536A>G (p.Tyr179Cys) variant in the MUTYH gene is located on the exon 7 of the MUTYH gene and is predicted to replace tyrosine with cysteine at codon 179 of the MUTYH protein. This variant has been observed in homozygous or compound heterozygous state in multiple individuals with MUTYH-associated polyposis and colorectal cancer (PMID: 11818965, 12606733, 16338133, 16492921, 16557584, 17489848, 18534194, 19032956, 19394335, 19793053, 20418187, 21063410, 21171015, 22266422, 23361220, 24444654, 27829682). This variant has been reported to co-segregate with disease in multiple individuals (PMID: 12606733, 16557584, 17489848, 19793053, 21063410, 24444654). Functional studies have shown that the mutant protein is defective in DNA binding and repair, and glycosylase activity (PMID:11818965, 18534194, 19953527, 20848659). This missense change has been identified in 435/282806 chromosomes in the general population by the Genome Aggregation Database (gnomAD). Computational prediction suggests that this variant may have deleterious impact on protein structure and function (REVEL score %3D 0.963). Based on these evidence, the c.536A>G(p.Tyr179Cys) variant in the MUTYH gene is classified as pathogenic.

This study involves interpretation of variants in research participants for the purpose of population health screening. Participant phenotype was not available at the time of variant classification. Additional details can be found in publication PMID: 35346344, PMCID: PMC8962531

Genomics and Molecular Medicine Service, East Genomic Laboratory Hub, NHS Genomic Medicine Service
Classification: Pathogenic for Inherited polyposis and early onset colorectal cancer - germline testing. Last evaluated: 2024-09-18. Review status: criteria provided, single submitter. Criteria: ACGS Best Practice Guidelines for Variant Classification in Rare Disease 2020. Collection method: clinical testing. Allele origin: germline. Affected: yes.
Comment: PS3_Supporting,PM3_Very Strong,PP3

Department of Genomics, ADN Uruguay
Classification: Pathogenic for Colorectal cancer. Last evaluated: 2024-06-27. Review status: criteria provided, single submitter. Criteria: Assertion Criteria Germline. Collection method: clinical testing. Allele origin: germline. Inheritance: Autosomal recessive inheritance. Affected: yes. Observed: 3 variant alleles.
Comment: The c.452A>G (p.Tyr151Cys) variant in MUTYH is a missense change that substitutes tyrosine with cysteine at codon 151. This variant has been reported in multiple individuals with MUTYH-associated polyposis (MAP) and colorectal cancer (PMID:24470512, 23361220). Functional assays and computational predictions (SIFT, MutationTaster) support a damaging effect on protein function. It is rare in population databases (gnomAD AF = 0.00153507) and has been classified as pathogenic in ClinVar and LOVD (PMID:20725929). According to ACMG/AMP guidelines (PVS1_strong, PM2, PP3, PS3_supporting), this variant is interpreted as Pathogenic. This variant was detected in three unrelated individuals tested for hereditary cancer predisposition. Genetic counseling and cascade testing of first-degree relatives are recommended to assess carrier status and related cancer risk.